The following is an entry in ClinVar:

ClinVar aggregate classification (germline): Uncertain significance (1 of 4 stars; one submission).

gnomAD v4.1: 7 of 1,610,958 alleles (0.00043%); highest among the groups gnomAD compares: Middle Eastern, 0.017%; no homozygotes.

Submission:

Labcorp Genetics (formerly Invitae), Labcorp
Classification: Uncertain significance. Last evaluated: 2025-03-12. Review status: criteria provided, single submitter. Criteria: Invitae Variant Classification Sherloc (09022015). Collection method: clinical testing. Allele origin: germline.
Comment: This sequence change replaces alanine, which is neutral and non-polar, with threonine, which is neutral and polar, at codon 382 of the KCNQ5 protein (p.Ala382Thr). This variant is present in population databases (no rsID available, gnomAD no frequency). This variant has not been reported in the literature in individuals affected with KCNQ5-related conditions. Invitae Evidence Modeling of protein sequence and biophysical properties (such as structural, functional, and spatial information, amino acid conservation, physicochemical variation, residue mobility, and thermodynamic stability) has been performed for this missense variant. However, the output from this modeling did not meet the statistical confidence thresholds required to predict the impact of this variant on KCNQ5 protein function. In summary, the available evidence is currently insufficient to determine the role of this variant in disease. Therefore, it has been classified as a Variant of Uncertain Significance.

NM_019842.4(KCNQ5):c.1144G>A (p.Ala382Thr)

Gene: KCNQ5 (potassium voltage-gated channel subfamily Q member 5; plus strand). Cytogenetic location: 6q13.
Variant type: single nucleotide variant.
Coding change: c.1144G>A on transcript NM_019842.4 (MANE Select); coding-DNA position 1144, G replaced by A.
Protein change: p.Ala382Thr; replaces alanine 382 with threonine.
Molecular consequence: missense variant.
Genome position (GRCh38, 1-based): chr6:73,120,501, G>A. VCF-style: chr6-73120501-G-A. GRCh37 (hg19) VCF-style: chr6-73830224-G-A.
Other names: c.1144G>A, p.Ala382Thr (NM_001160130.2, NM_001160132.2, NM_001160133.2 and 1 more transcripts); short protein forms A382T.
Identifiers: ClinVar variation 3612491 (VCV003612491.2).
Genomic context (GRCh38, chr6:73,120,501, plus strand): 5'-TCTCTTTTTTCTTTTTCATGTCCCCATCTATGCCACATGCAGTGTGTTTGGCGTAGTTAC[G>A]CAGCTGATGAGAAATCTGTTTCCATTGCAACCTGGAAGCCACACTTGAAGGCCTTGCACA-3'
Protein context (NP_062816.2, residues 372-392): NLIQCVWRSY[Ala382Thr]ADEKSVSIAT